The following is an entry in ClinVar:

ClinVar aggregate classification (germline): Uncertain significance (1 of 4 stars; one submission).

Allele frequency attached by ClinVar (database versions not stated): gnomAD exomes below 0.00001; ExAC 0.00001; gnomAD 0.00001; TOPMed 0.00003; ESP Exome Variant Server 0.00008.

Submission:

GeneDx
Classification: Uncertain significance. Last evaluated: 2019-04-29. Review status: criteria provided, single submitter. Criteria: GeneDx Variant Classification Process June 2021. Collection method: clinical testing. Allele origin: germline. Affected: yes.
Comment: Has not been previously published as pathogenic or benign to our knowledge; In silico analysis, which includes protein predictors and evolutionary conservation, supports that this variant does not alter protein structure/function

NM_000478.6(ALPL):c.208G>A (p.Ala70Thr)

Gene: ALPL (alkaline phosphatase, biomineralization associated; plus strand). Cytogenetic location: 1p36.12.
Variant type: single nucleotide variant.
Coding change: c.208G>A on transcript NM_000478.6 (MANE Select); coding-DNA position 208, G replaced by A.
Protein change: p.Ala70Thr; replaces alanine 70 with threonine.
Molecular consequence: missense variant. On other transcripts: intron variant (1).
Genome position (GRCh38, 1-based): chr1:21,561,123, G>A. VCF-style: chr1-21561123-G-A. GRCh37 (hg19) VCF-style: chr1-21887616-G-A.
Other names: c.43G>A, p.Ala15Thr (NM_001127501.4); c.208G>A, p.Ala70Thr (NM_001369803.2, NM_001369804.2, NM_001369805.2); c.66+378G>A (NM_001177520.3); short protein forms A15T, A70T.
Identifiers: ClinVar variation 1305621 (VCV001305621.2), dbSNP rs147116628, ClinGen allele CA666433.